The following is an entry in ClinVar:

ClinVar aggregate classification (germline): Pathogenic/Likely pathogenic. Review status: criteria provided, multiple submitters, no conflicts (2 of 4 stars). 3 submissions from 3 submitters: Pathogenic (2); Likely pathogenic (1). Last evaluated 2025-01-27.

Conditions:
Hereditary spherocytosis type 1. Also called: Spherocytosis type 1; ANK1-Related Spherocytosis. Identifiers: Orphanet 822, MedGen C2674218, MONDO:0008447, OMIM 182900.

Submissions (3):

Labcorp Genetics (formerly Invitae), Labcorp
Classification: Pathogenic. Last evaluated: 2025-01-27. Review status: criteria provided, single submitter. Criteria: Invitae Variant Classification Sherloc (09022015). Collection method: clinical testing. Allele origin: germline.
Comment: This sequence change affects an acceptor splice site in intron 29 of the ANK1 gene. It is expected to disrupt RNA splicing. Variants that disrupt the donor or acceptor splice site typically lead to a loss of protein function (PMID: 16199547), and loss-of-function variants in ANK1 are known to be pathogenic (PMID: 8640229). This variant is not present in population databases (gnomAD no frequency). Disruption of this splice site has been observed in individuals with hereditary spherocytosis (PMID: 37996759; internal data). ClinVar contains an entry for this variant (Variation ID: 2432379). Algorithms developed to predict the effect of sequence changes on RNA splicing suggest that this variant may disrupt the consensus splice site. For these reasons, this variant has been classified as Pathogenic.

Revvity Omics, Revvity
Classification: Likely pathogenic for Hereditary spherocytosis type 1. Last evaluated: 2022-04-13. Review status: criteria provided, single submitter. Criteria: ACMG Guidelines, 2015. Collection method: clinical testing. Allele origin: germline.

Juno Genomics, Hangzhou Juno Genomics, Inc
Classification: Pathogenic for Hereditary spherocytosis type 1. Review status: criteria provided, single submitter. Criteria: ACMG Guidelines, 2015. Collection method: clinical testing. Allele origin: germline. Affected: yes.
Comment: Absent from controls (or at extremely low frequency if recessive) in Genome Aggregation Database, Exome Sequencing Project, 1000 Genomes Project, or Exome Aggregation Consortium.;Null variant in a gene where loss of function (LOF) is a known mechanism of disease.;Patient's phenotype or family history is highly specific for a disease with a single genetic etiology.

Literature cited by the submitters: PubMed 16199547 (cited by Labcorp Genetics (formerly Invitae), Labcorp); PubMed 8640229 (cited by Labcorp Genetics (formerly Invitae), Labcorp); PubMed 37996759 (cited by Labcorp Genetics (formerly Invitae), Labcorp).

NM_000037.4(ANK1):c.3533-2A>G

Gene: ANK1 (ankyrin 1; minus strand). Cytogenetic location: 8p11.21.
Variant type: single nucleotide variant.
Coding change: c.3533-2A>G on transcript NM_000037.4 (MANE Select); the canonical splice acceptor site of the intron before coding-DNA position 3533, A replaced by G.
Molecular consequence: splice acceptor variant.
Genome position (GRCh38, 1-based): chr8:41,693,203, T>C on the plus strand (A>G on the coding strand, the complement: ANK1 is on the minus strand). VCF-style: chr8-41693203-T-C. GRCh37 (hg19) VCF-style: chr8-41550721-T-C.
Other names: c.3656-2A>G (NM_001142446.2); c.3533-2A>G (NM_020477.3, NM_020475.3, NM_020476.3).
Identifiers: ClinVar variation 2432379 (VCV002432379.7), dbSNP rs2486763550, ClinGen allele CA371059278.